The following is an entry in ClinVar:

ClinVar aggregate classification (germline): Uncertain significance (0 of 4 stars; one submission).

Conditions:
VPS13B-related disorder. Also called: VPS13B-related condition.

Submission:

PreventionGenetics, part of Exact Sciences
Classification: Uncertain significance for VPS13B-related condition. Last evaluated: 2023-11-20. Review status: no assertion criteria provided. Collection method: clinical testing. Allele origin: germline.
Comment: The VPS13B c.9418G>A variant is predicted to result in the amino acid substitution p.Asp3140Asn. To our knowledge, this variant has not been reported in the literature or in a large population database, indicating this variant is rare. At this time, the clinical significance of this variant is uncertain due to the absence of conclusive functional and genetic evidence.

NM_152564.5(VPS13B):c.9418G>A (p.Asp3140Asn)

Gene: VPS13B (vacuolar protein sorting 13 homolog B; plus strand). Cytogenetic location: 8q22.2.
Variant type: single nucleotide variant.
Coding change: c.9418G>A on transcript NM_152564.5 (MANE Select); coding-DNA position 9418, G replaced by A.
Protein change: p.Asp3140Asn; replaces aspartic acid 3140 with asparagine.
Molecular consequence: missense variant.
Genome position (GRCh38, 1-based): chr8:99,832,456, G>A. VCF-style: chr8-99832456-G-A. GRCh37 (hg19) VCF-style: chr8-100844684-G-A.
Other names: c.9493G>A, p.Asp3165Asn (NM_017890.5); short protein forms D3140N, D3165N.
Identifiers: ClinVar variation 3031279 (VCV003031279.2), dbSNP rs1452406474, ClinGen allele CA371781405.